The following is an entry in ClinVar:

ClinVar aggregate classification (germline): Benign/Likely benign. Review status: criteria provided, multiple submitters, no conflicts (2 of 4 stars). 9 submissions from 9 submitters: Benign (6); Likely benign (2). 1 of the submissions does not count toward it. Last evaluated 2026-02-01.

Conditions:
Congenital myasthenic syndrome 8. Also called: MYASTHENIC SYNDROME, CONGENITAL, DUE TO AGRIN DEFICIENCY; Myasthenic syndrome, congenital, 8, with pre- and postsynaptic defects. Identifiers: Orphanet 590, MedGen C3808739, MONDO:0014052, OMIM 615120.

Allele frequency attached by ClinVar (database versions not stated): gnomAD exomes 0.00480 and 0.00588; ExAC 0.00511; gnomAD 0.00648 and 0.00657; TOPMed 0.00692; ESP Exome Variant Server 0.00800; 1000 Genomes Project 0.00839; 1000 Genomes Project 30x 0.00843.
gnomAD v4.1: 9,516 of 1,612,498 alleles (0.59%); highest among the groups gnomAD compares: African/African-American, 0.97%; 33 homozygotes.

Submissions (9):

Labcorp Genetics (formerly Invitae), Labcorp
Classification: Benign for Congenital myasthenic syndrome 8. Last evaluated: 2026-02-01. Review status: criteria provided, single submitter. Criteria: Invitae Variant Classification Sherloc (09022015). Collection method: clinical testing. Allele origin: germline.

CeGaT Center for Human Genetics Tuebingen
Classification: Likely benign. Last evaluated: 2025-09-01. Review status: criteria provided, single submitter. Criteria: CeGaT Center For Human Genetics Tuebingen Variant Classification Criteria Version 2. Collection method: clinical testing. Allele origin: germline. Affected: yes. Observed: 8 variant alleles.
Comment: AGRN: BP4, BP7, BS2

Blueprint Genetics
Classification: Likely benign. Last evaluated: 2024-11-25. Review status: criteria provided, single submitter. Criteria: ACMG Guidelines, 2015. Collection method: clinical testing. Allele origin: germline.

Mayo Clinic Laboratories, Mayo Clinic
Classification: Benign. Last evaluated: 2024-03-05. Review status: criteria provided, single submitter. Criteria: ACMG Guidelines, 2015. Collection method: clinical testing. Allele origin: germline. Observed: 7 variant alleles.
Comment: BS1, BS2, BP4, BP7

Athena Diagnostics
Classification: Benign. Last evaluated: 2021-03-22. Review status: criteria provided, single submitter. Criteria: Athena Diagnostics criteria. Collection method: clinical testing. Allele origin: unknown.

GeneDx
Classification: Benign. Last evaluated: 2019-04-04. Review status: criteria provided, single submitter. Criteria: GeneDx Variant Classification Process June 2021. Collection method: clinical testing. Allele origin: germline. Affected: yes.

Breakthrough Genomics
Classification: Benign. Review status: criteria provided, single submitter. Criteria: ACMG Guidelines, 2015. Collection method: not provided. Allele origin: germline. Inheritance: Autosomal recessive inheritance. Affected: yes.

PreventionGenetics, part of Exact Sciences
Classification: Benign. Review status: criteria provided, single submitter. Criteria: ACMG Guidelines, 2015. Collection method: clinical testing. Allele origin: germline.

Genetic Services Laboratory, University of Chicago
Classification: Likely benign for AllHighlyPenetrant. Review status: no assertion criteria provided. Collection method: clinical testing. Allele origin: germline. Inheritance: Autosomal recessive inheritance. Not counted in ClinVar's aggregate classification.
Comment: Likely benign based on allele frequency in 1000 Genomes Project or ESP global frequency and its presence in a patient with a rare or unrelated disease phenotype. NOT Sanger confirmed.

NM_198576.4(AGRN):c.3465T>C (p.Ala1155=)

Gene: AGRN (agrin; plus strand). Cytogenetic location: 1p36.33.
Variant type: single nucleotide variant.
Coding change: c.3465T>C on transcript NM_198576.4 (MANE Select); coding-DNA position 3465, T replaced by C.
Protein change: p.Ala1155=; no amino-acid change (alanine 1155 retained).
Molecular consequence: synonymous variant.
Genome position (GRCh38, 1-based): chr1:1,047,403, T>C. VCF-style: chr1-1047403-T-C. GRCh37 (hg19) VCF-style: chr1-982783-T-C.
Other names: p.Ala1155=; c.3465T>C (LRG_198t1); c.3465T>C, p.Ala1155= (NM_001305275.2); c.3150T>C, p.Ala1050= (NM_001364727.2).
Identifiers: ClinVar variation 128300 (VCV000128300.45), dbSNP rs146358566, ClinGen allele CA151635.
Genomic context (GRCh38, chr1:1,047,403, plus strand): 5'-GGGCGTCCTGGAGCTGGAGGGCGTCGAGGGCCAGGAGCTGTTCTACACGCCCGAGATGGC[T>C]GACCCCAAGTCAGAACTGTTCGGGGAGACAGCCAGGAGCATTGAGAGCACCGTAAGACGG-3'
Protein context (NP_940978.2, residues 1145-1165): GQELFYTPEM[Ala1155=]DPKSELFGET